The following is an entry in ClinVar:

ClinVar aggregate classification (germline): Uncertain significance. Review status: criteria provided, multiple submitters, no conflicts (2 of 4 stars). 2 submissions from 2 submitters: Uncertain significance (2). Last evaluated 2024-12-02.

gnomAD v4.1: 145 of 1,549,102 alleles (0.0094%); highest among the groups gnomAD compares: Non-Finnish European, 0.012%; 1 homozygote.

Submissions (2):

Labcorp Genetics (formerly Invitae), Labcorp
Classification: Uncertain significance. Last evaluated: 2024-12-02. Review status: criteria provided, single submitter. Criteria: Invitae Variant Classification Sherloc (09022015). Collection method: clinical testing. Allele origin: germline.
Comment: This sequence change replaces glycine, which is neutral and non-polar, with glutamic acid, which is acidic and polar, at codon 892 of the CTDP1 protein (p.Gly892Glu). This variant is present in population databases (rs573300127, gnomAD 0.02%). This variant has not been reported in the literature in individuals affected with CTDP1-related conditions. ClinVar contains an entry for this variant (Variation ID: 1411909). An algorithm developed to predict the effect of missense changes on protein structure and function outputs the following: PolyPhen-2: "Benign". The glutamic acid amino acid residue is found in multiple mammalian species, which suggests that this missense change does not adversely affect protein function. In summary, the available evidence is currently insufficient to determine the role of this variant in disease. Therefore, it has been classified as a Variant of Uncertain Significance.

Ambry Genetics
Classification: Uncertain significance. Last evaluated: 2024-06-16. Review status: criteria provided, single submitter. Criteria: Ambry Variant Classification Scheme 2023. Collection method: clinical testing. Allele origin: germline.

NM_004715.5(CTDP1):c.2675G>A (p.Gly892Glu)

Gene: CTDP1 (CTD phosphatase subunit 1; plus strand). Cytogenetic location: 18q23.
Variant type: single nucleotide variant.
Coding change: c.2675G>A on transcript NM_004715.5 (MANE Select); coding-DNA position 2675, G replaced by A.
Protein change: p.Gly892Glu; replaces glycine 892 with glutamic acid.
Molecular consequence: missense variant. On other transcripts: intron variant (1).
Genome position (GRCh38, 1-based): chr18:79,736,449, G>A. VCF-style: chr18-79736449-G-A. GRCh37 (hg19) VCF-style: chr18-77496449-G-A.
Other names: c.2318G>A, p.Gly773Glu (NM_001202504.1); c.2512G>A, p.Gly838Arg (NM_048368.4); c.2580+7380G>A (NM_001318511.2); c.2675G>A (NM_004715.4); short protein forms G773E, G892E, G838R.
Identifiers: ClinVar variation 1411909 (VCV001411909.6), dbSNP rs573300127, ClinGen allele CA9010673.